The following is an entry in ClinVar:

NM_203447.4(DOCK8):c.3701-65T>C

Gene: DOCK8 (dedicator of cytokinesis 8; plus strand). Cytogenetic location: 9p24.3.
Variant type: single nucleotide variant.
Coding change: c.3701-65T>C on transcript NM_203447.4 (MANE Select); 65 bases into the intron before coding-DNA position 3701, T replaced by C.
Molecular consequence: intron variant.
Genome position (GRCh38, 1-based): chr9:418,003, T>C. VCF-style: chr9-418003-T-C. GRCh37 (hg19) VCF-style: chr9-418003-T-C.
Other names: c.3497-65T>C (NM_001193536.2); c.3401-65T>C (NM_001190458.2).
Identifiers: ClinVar variation 675029 (VCV000675029.4), dbSNP rs10814836, ClinGen allele CA13091985.
Genomic context (GRCh38, chr9:418,003, plus strand): 5'-TAAACATCAGGTTTGAAATTACTGTGCTGACTTTAGTGACTGAGAAGTATCAGTCTCTTA[T>C]TGGGTAGGGGACATGGGGAAATGTCATGTTTGACTTGACATCACAAACGATGTTTTCATT-3'

ClinVar aggregate classification (germline): Benign. Review status: criteria provided, multiple submitters, no conflicts (2 of 4 stars). 3 submissions from 3 submitters: Benign (3). Last evaluated 2023-11-12.

Allele frequency attached by ClinVar (database versions not stated): gnomAD 0.21597 and 0.21379; 1000 Genomes Project 0.30351; TOPMed 0.22357; 1000 Genomes Project 30x 0.30325.
gnomAD v4.1: 216,748 of 1,606,252 alleles (13%); highest among the groups gnomAD compares: East Asian, 54%; 23,508 homozygotes.

Submissions (3):

Unidad de Genómica Garrahan, Hospital de Pediatría Garrahan
Classification: Benign. Last evaluated: 2023-11-12. Review status: criteria provided, single submitter. Criteria: ACMG Guidelines, 2015. Collection method: clinical testing. Allele origin: germline. Affected: no. Observed: 41 variant alleles.
Comment: This variant is classified as Benign based on local population frequency. This variant was detected in 43% of patients studied by a panel of primary immunodeficiencies. Number of patients: 41. Only high quality variants are reported.

GeneDx
Classification: Benign. Last evaluated: 2018-06-16. Review status: criteria provided, single submitter. Criteria: GeneDx Variant Classification (06012015). Collection method: clinical testing. Allele origin: germline. Affected: yes.
Comment: This variant is considered likely benign or benign based on one or more of the following criteria: it is a conservative change, it occurs at a poorly conserved position in the protein, it is predicted to be benign by multiple in silico algorithms, and/or has population frequency not consistent with disease.

Breakthrough Genomics
Classification: Benign. Review status: criteria provided, single submitter. Criteria: ACMG Guidelines, 2015. Collection method: not provided. Allele origin: germline. Inheritance: Autosomal recessive inheritance. Affected: yes.